The following is an entry in ClinVar:

NM_003597.5(KLF11):c.429C>T (p.Ala143=)

Gene: KLF11 (KLF transcription factor 11; plus strand). Cytogenetic location: 2p25.1.
Variant type: single nucleotide variant.
Coding change: c.429C>T on transcript NM_003597.5 (MANE Select); coding-DNA position 429, C replaced by T.
Protein change: p.Ala143=; no amino-acid change (alanine 143 retained).
Molecular consequence: synonymous variant.
Genome position (GRCh38, 1-based): chr2:10,047,766, C>T. VCF-style: chr2-10047766-C-T. GRCh37 (hg19) VCF-style: chr2-10187893-C-T.
Other names: c.378C>T, p.Ala126= (NM_001177716.2, NM_001177718.2).
Identifiers: ClinVar variation 330627 (VCV000330627.22), dbSNP rs113903638, ClinGen allele CA1525507.

ClinVar aggregate classification (germline): Benign/Likely benign. Review status: criteria provided, multiple submitters, no conflicts (2 of 4 stars). 8 submissions from 8 submitters: Benign (7); Likely benign (1). Last evaluated 2026-01-03.

Conditions:
Maturity-onset diabetes of the young type 7 (MODY7). Identifiers: Orphanet 552, MedGen C1864839, MONDO:0012513, OMIM 610508.

Allele frequency attached by ClinVar (database versions not stated): 1000 Genomes Project 30x 0.00531; 1000 Genomes Project 0.00559; gnomAD 0.00626 and 0.00679; TOPMed 0.00691; ESP Exome Variant Server 0.00700.

Submissions (8):

Labcorp Genetics (formerly Invitae), Labcorp
Classification: Benign. Last evaluated: 2026-01-03. Review status: criteria provided, single submitter. Criteria: Invitae Variant Classification Sherloc (09022015). Collection method: clinical testing. Allele origin: germline.

Blueprint Genetics
Classification: Likely benign. Last evaluated: 2024-11-25. Review status: criteria provided, single submitter. Criteria: ACMG Guidelines, 2015. Collection method: clinical testing. Allele origin: germline.

Fulgent Genetics
Classification: Benign for Maturity-onset diabetes of the young type 7. Last evaluated: 2021-07-20. Review status: criteria provided, single submitter. Criteria: ACMG Guidelines, 2015. Collection method: clinical testing. Allele origin: unknown.

Women's Health and Genetics/Laboratory Corporation of America, LabCorp
Classification: Benign. Last evaluated: 2021-07-08. Review status: criteria provided, single submitter. Criteria: LabCorp Variant Classification Summary - May 2015. Collection method: clinical testing. Allele origin: germline.

GeneDx
Classification: Benign. Last evaluated: 2020-05-11. Review status: criteria provided, single submitter. Criteria: GeneDx Variant Classification Process June 2021. Collection method: clinical testing. Allele origin: germline. Affected: yes.

Genetic Services Laboratory, University of Chicago
Classification: Benign. Last evaluated: 2019-06-25. Review status: criteria provided, single submitter. Criteria: ACMG Guidelines, 2015. Collection method: clinical testing. Allele origin: germline. Affected: no.

Illumina Laboratory Services, Illumina
Classification: Benign for Maturity-onset diabetes of the young type 7. Last evaluated: 2018-01-12. Review status: criteria provided, single submitter. Criteria: ICSL Variant Classification Criteria 13 December 2019. Collection method: clinical testing. Allele origin: germline.
Comment: This variant was observed in the ICSL laboratory as part of a predisposition screen in an ostensibly healthy population. It had not been previously curated by ICSL or reported in the Human Gene Mutation Database (HGMD: prior to June 1st, 2018), and was therefore a candidate for classification through an automated scoring system. Utilizing variant allele frequency, disease prevalence and penetrance estimates, and inheritance mode, an automated score was calculated to assess if this variant is too frequent to cause the disease. Based on the score and internal cut-off values, a variant classified as benign is not then subjected to further curation. The score for this variant resulted in a classification of benign for this disease.

Breakthrough Genomics
Classification: Benign. Review status: criteria provided, single submitter. Criteria: ACMG Guidelines, 2015. Collection method: not provided. Allele origin: germline. Inheritance: Unknown mechanism. Affected: yes.